The following is an entry in ClinVar:

NM_206937.2(LIG4):c.1983T>C (p.Asp661=)

Gene: LIG4 (DNA ligase 4; minus strand). Cytogenetic location: 13q33.3.
Variant type: single nucleotide variant.
Coding change: c.1983T>C on transcript NM_206937.2 (MANE Select); coding-DNA position 1983, T replaced by C.
Protein change: p.Asp661=; no amino-acid change (aspartic acid 661 retained).
Molecular consequence: synonymous variant.
Genome position (GRCh38, 1-based): chr13:108,209,286, A>G on the plus strand (T>C on the coding strand, the complement: LIG4 is on the minus strand). VCF-style: chr13-108209286-A-G. GRCh37 (hg19) VCF-style: chr13-108861634-A-G.
Other names: c.1983T>C, p.Asp661= (NM_001098268.2, NM_001352598.2, NM_001352599.2 and 6 more transcripts); c.1782T>C, p.Asp594= (NM_001330595.2); c.2019T>C, p.Asp673= (NM_001352604.2).
Identifiers: ClinVar variation 310980 (VCV000310980.40), dbSNP rs199638675, ClinGen allele CA7043571.

ClinVar aggregate classification (germline): Conflicting classifications of pathogenicity. Review status: criteria provided, conflicting classifications (1 of 4 stars). 6 submissions from 5 submitters: Uncertain significance (2); Likely benign (4). Last evaluated 2026-09-01.

Conditions:
Severe combined immunodeficiency due to DCLRE1C deficiency (RS-SCID). Also called: SCID, AUTOSOMAL RECESSIVE, T CELL-NEGATIVE, B CELL-NEGATIVE, NK CELL-POSITIVE, WITH SENSITIVITY TO IONIZING RADIATION. Identifiers: Orphanet 275, MedGen C1865371, MONDO:0011225, OMIM 602450.
DNA ligase IV deficiency. Identifiers: Orphanet 99812, MedGen C1847827, MONDO:0011686, OMIM 606593.

Allele frequency attached by ClinVar (database versions not stated): gnomAD exomes 0.00029 and 0.00045; gnomAD 0.00030 and 0.00032; ESP Exome Variant Server 0.00031; TOPMed 0.00043; ExAC 0.00054.
gnomAD v4.1: 466 of 1,614,108 alleles (0.029%); highest among the groups gnomAD compares: Admixed American, 0.1%; 2 homozygotes.

Submissions (6):

CeGaT Center for Human Genetics Tuebingen
Classification: Likely benign. Last evaluated: 2026-09-01. Review status: criteria provided, single submitter. Criteria: CeGaT Center For Human Genetics Tuebingen Variant Classification Criteria Version 2. Collection method: clinical testing. Allele origin: germline. Affected: yes. Observed: 5 variant alleles.
Comment: LIG4: BP4, BP7

Labcorp Genetics (formerly Invitae), Labcorp
Classification: Likely benign for DNA ligase IV deficiency. Last evaluated: 2026-01-25. Review status: criteria provided, single submitter. Criteria: Invitae Variant Classification Sherloc (09022015). Collection method: clinical testing. Allele origin: germline.

Women's Health and Genetics/Laboratory Corporation of America, LabCorp
Classification: Likely benign. Last evaluated: 2026-01-23. Review status: criteria provided, single submitter. Criteria: LabCorp Variant Classification Summary - May 2015. Collection method: clinical testing. Allele origin: germline.

Blueprint Genetics
Classification: Likely benign. Last evaluated: 2024-10-29. Review status: criteria provided, single submitter. Criteria: ACMG Guidelines, 2015. Collection method: clinical testing. Allele origin: germline.

Illumina Laboratory Services, Illumina
Classification: Uncertain significance for Severe combined immunodeficiency due to DCLRE1C deficiency. Last evaluated: 2018-01-13. Review status: criteria provided, single submitter. Criteria: ICSL Variant Classification Criteria 13 December 2019. Collection method: clinical testing. Allele origin: germline.

Illumina Laboratory Services, Illumina
Classification: Uncertain significance for DNA ligase IV deficiency. Last evaluated: 2018-01-13. Review status: criteria provided, single submitter. Criteria: ICSL Variant Classification Criteria 13 December 2019. Collection method: clinical testing. Allele origin: germline.